The following is an entry in ClinVar:

ClinVar aggregate classification (germline): Uncertain significance (1 of 4 stars; one submission).

Conditions:
Arrhythmogenic cardiomyopathy with wooly hair and keratoderma. Also called: PALMOPLANTAR KERATODERMA WITH LEFT VENTRICULAR CARDIOMYOPATHY AND WOOLLY HAIR; Carvajal syndrome; Arrhythmogenic cardiomyopathy with woolly hair and keratoderma; Dilated cardiomyopathy with woolly hair and keratoderma. Identifiers: Orphanet 65282, MedGen C1854063, MONDO:0011581, OMIM 605676.
Arrhythmogenic right ventricular dysplasia 8 (ARVD8). Also called: ARRHYTHMOGENIC RIGHT VENTRICULAR DYSPLASIA, FAMILIAL, 8; ARRHYTHMOGENIC RIGHT VENTRICULAR CARDIOMYOPATHY 8; Arrhythmogenic Right Ventricular Dysplasia/Cardiomyopathy 8. Identifiers: MedGen C1843896, MONDO:0011831, OMIM 607450.

Submission:

Labcorp Genetics (formerly Invitae), Labcorp
Classification: Uncertain significance for Arrhythmogenic cardiomyopathy with wooly hair and keratoderma; Arrhythmogenic right ventricular dysplasia 8. Last evaluated: 2022-09-22. Review status: criteria provided, single submitter. Criteria: Invitae Variant Classification Sherloc (09022015). Collection method: clinical testing. Allele origin: germline.
Comment: In summary, the available evidence is currently insufficient to determine the role of this variant in disease. Therefore, it has been classified as a Variant of Uncertain Significance. Algorithms developed to predict the effect of missense changes on protein structure and function are either unavailable or do not agree on the potential impact of this missense change (SIFT: "Tolerated"; PolyPhen-2: "Possibly Damaging"; Align-GVGD: "Class C0"). This variant has not been reported in the literature in individuals affected with DSP-related conditions. This variant is not present in population databases (gnomAD no frequency). This sequence change replaces serine, which is neutral and polar, with proline, which is neutral and non-polar, at codon 1312 of the DSP protein (p.Ser1312Pro).

NM_004415.4(DSP):c.3934T>C (p.Ser1312Pro)

Gene: DSP (desmoplakin; plus strand). Cytogenetic location: 6p24.3.
Variant type: single nucleotide variant.
Coding change: c.3934T>C on transcript NM_004415.4 (MANE Select); coding-DNA position 3934, T replaced by C.
Protein change: p.Ser1312Pro; replaces serine 1312 with proline.
Molecular consequence: missense variant. On other transcripts: intron variant (1).
Genome position (GRCh38, 1-based): chr6:7,580,124, T>C. VCF-style: chr6-7580124-T-C. GRCh37 (hg19) VCF-style: chr6-7580357-T-C.
Other names: c.3934T>C, p.Ser1312Pro (NM_001319034.2); c.3582+352T>C (NM_001008844.3); short protein forms S1312P.
Identifiers: ClinVar variation 1985601 (VCV001985601.4), dbSNP rs2533926711, ClinGen allele CA362685175.